The following is an entry in ClinVar:

NM_001127222.2(CACNA1A):c.2804_2814dup (p.Ser939fs)

Gene: CACNA1A (calcium voltage-gated channel subunit alpha1 A; minus strand). Cytogenetic location: 19p13.13.
Variant type: Duplication.
Coding change: c.2804_2814dup on transcript NM_001127222.2 (MANE Select); coding-DNA positions 2804 to 2814, 11 bases duplicated (GGCAGGGGGGC).
Protein change: p.Ser939fs; shifts the reading frame from serine 939.
Molecular consequence: frameshift variant.
Genome position (GRCh38, 1-based): chr19:13,298,819-13,298,829, GCCCCCCTGCC duplicated on the plus strand (GGCAGGGGGGC on the coding strand, the reverse complement: CACNA1A is on the minus strand); duplicating any 11 consecutive bases within chr19:13,298,819-13,298,830 gives the same sequence; the c. name uses the placement nearest the transcript's 3' end. VCF-style (leftmost placement, unchanged base first): chr19-13298818-T-TGCCCCCCTGCC. GRCh37 (hg19) VCF-style: chr19-13409632-T-TGCCCCCCTGCC.
Other names: c.2807_2817dup, p.Ser940fs (LRG_7t1, NM_001174080.2); c.2816_2826dup, p.Ser943fs (NM_000068.4, NM_023035.3); short protein forms S939fs, S940fs, S943fs.
Identifiers: ClinVar variation 637965 (VCV000637965.2), dbSNP rs1600272344, ClinGen allele CA915952496.
Genomic context (GRCh38, chr19:13,298,818, plus strand): 5'-GATGACGTCGATGCTCCCCGTCCGCGCCCGTGCGCGGGGACCCGCTGCGGCTCTCCCTGC[T>TGCCCCCCTGCC]GCCCCCCTGCCGGTGCACGTGCCTCCGGTGGGGGTCCCCGGCCTTGCCTCGCTCGGCCTC-3'

ClinVar aggregate classification (germline): Pathogenic/Likely pathogenic. Review status: criteria provided, multiple submitters, no conflicts (2 of 4 stars). 2 submissions from 2 submitters: Pathogenic (1); Likely pathogenic (1). Last evaluated 2022-05-31.

Conditions:
Episodic ataxia type 2 (EA2). Also called: CEREBELLAR ATAXIA, PAROXYSMAL, ACETAZOLAMIDE-RESPONSIVE; CEREBELLOPATHY, HEREDITARY PAROXYSMAL; EPISODIC ATAXIA, NYSTAGMUS-ASSOCIATED; ATAXIA, EPISODIC, WITH NYSTAGMUS; ATAXIA, FAMILIAL PAROXYSMAL; ACETAZOLAMIDE-RESPONSIVE HEREDITARY PAROXYSMAL CEREBELLAR ATAXIA. Identifiers: Orphanet 97, MedGen C1720416, MONDO:0007163, OMIM 108500.
Developmental and epileptic encephalopathy, 42 (DEE42A). Also called: Epileptic encephalopathy, early infantile, 42; DEVELOPMENTAL AND EPILEPTIC ENCEPHALOPATHY 42A; EPILEPTIC ENCEPHALOPATHY, EARLY INFANTILE, 42A. Identifiers: MedGen C4310716, MONDO:0014917, OMIM 617106.

Submissions (2):

Laboratorio de Genetica e Diagnostico Molecular, Hospital Israelita Albert Einstein
Classification: Likely pathogenic for Developmental and epileptic encephalopathy, 42. Last evaluated: 2022-05-31. Review status: criteria provided, single submitter. Criteria: ACMG Guidelines, 2015. Collection method: clinical testing. Allele origin: germline. Affected: yes. Observed: 1 variant allele.
Comment: ACMG classification criteria: PVS1 very strong, PM2 moderated

MVZ Martinsried, Medicover Genetics
Classification: Pathogenic for Episodic ataxia type 2. Last evaluated: 2018-11-12. Review status: criteria provided, single submitter. Criteria: ACMG Guidelines, 2015. Collection method: clinical testing. Allele origin: unknown. Affected: yes.